The following is an entry in ClinVar:

ClinVar aggregate classification (germline): Uncertain significance. Review status: criteria provided, multiple submitters, no conflicts (2 of 4 stars). 2 submissions from 2 submitters: Uncertain significance (2). Last evaluated 2024-01-01.

Conditions:
Bardet-Biedl syndrome 7 (BBS7). Identifiers: Orphanet 110, MedGen C1859565, MONDO:0014435, OMIM 615984.
Bardet-Biedl syndrome (BBS). Identifiers: Orphanet 110, MedGen C0752166, MONDO:0015229.

Allele frequency attached by ClinVar (database versions not stated): TOPMed below 0.00001; gnomAD 0.00001.
gnomAD v4.1: 12 of 1,611,914 alleles (0.00074%); highest among the groups gnomAD compares: South Asian, 0.012%; no homozygotes.

Submissions (2):

Fulgent Genetics
Classification: Uncertain significance for Bardet-Biedl syndrome 7. Last evaluated: 2024-01-01. Review status: criteria provided, single submitter. Criteria: ACMG Guidelines, 2015. Collection method: clinical testing. Allele origin: germline.

Labcorp Genetics (formerly Invitae), Labcorp
Classification: Uncertain significance for Bardet-Biedl syndrome. Last evaluated: 2023-08-10. Review status: criteria provided, single submitter. Criteria: Invitae Variant Classification Sherloc (09022015). Collection method: clinical testing. Allele origin: germline.
Comment: This variant is present in population databases (rs756139233, gnomAD 0.01%). This variant has not been reported in the literature in individuals affected with BBS7-related conditions. ClinVar contains an entry for this variant (Variation ID: 1980012). An algorithm developed to predict the effect of missense changes on protein structure and function (PolyPhen-2) suggests that this variant is likely to be tolerated. Algorithms developed to predict the effect of sequence changes on RNA splicing suggest that this variant may disrupt the consensus splice site. In summary, the available evidence is currently insufficient to determine the role of this variant in disease. Therefore, it has been classified as a Variant of Uncertain Significance. This sequence change replaces glutamic acid, which is acidic and polar, with aspartic acid, which is acidic and polar, at codon 596 of the BBS7 protein (p.Glu596Asp).

NM_176824.3(BBS7):c.1788G>T (p.Glu596Asp)

Gene: BBS7 (Bardet-Biedl syndrome 7; minus strand). Cytogenetic location: 4q27.
Variant type: single nucleotide variant.
Coding change: c.1788G>T on transcript NM_176824.3 (MANE Select); coding-DNA position 1788, G replaced by T.
Protein change: p.Glu596Asp; replaces glutamic acid 596 with aspartic acid.
Molecular consequence: missense variant.
Genome position (GRCh38, 1-based): chr4:121,828,504, C>A on the plus strand (G>T on the coding strand, the complement: BBS7 is on the minus strand). VCF-style: chr4-121828504-C-A. GRCh37 (hg19) VCF-style: chr4-122749659-C-A.
Other names: c.1788G>T, p.Glu596Asp (NM_018190.4); short protein forms E596D.
Identifiers: ClinVar variation 1980012 (VCV001980012.5), dbSNP rs756139233, ClinGen allele CA3064125.